The following is an entry in ClinVar:

NM_001378120.1(MBD5):c.74_83del (p.Trp25fs)

Gene: MBD5 (methyl-CpG binding domain protein 5; plus strand). Cytogenetic location: 2q23.1.
Variant type: Deletion.
Coding change: c.74_83del on transcript NM_001378120.1 (MANE Select); coding-DNA positions 74 to 83, 10 bases deleted (GGCAGCGTCG; older notation c.74_83delGGCAGCGTCG).
Protein change: p.Trp25fs; shifts the reading frame from tryptophan 25.
Molecular consequence: frameshift variant.
Genome position (GRCh38, 1-based): chr2:148,458,832-148,458,841, GGCAGCGTCG deleted. VCF-style (leftmost placement, unchanged base first): chr2-148458831-TGGCAGCGTCG-T. GRCh37 (hg19) VCF-style: chr2-149216400-TGGCAGCGTCG-T.
Other names: c.74_83del, p.Trp25fs (NM_018328.5); short protein forms W25fs.
Identifiers: ClinVar variation 1758745 (VCV001758745.2), dbSNP rs2469778085, ClinGen allele CA2580063851.

ClinVar aggregate classification (germline): Pathogenic (1 of 4 stars; one submission).

Conditions:
Inborn genetic diseases. Identifiers: MedGen C0950123, MeSH D030342.

Submission:

Ambry Genetics
Classification: Pathogenic for Inborn genetic diseases. Last evaluated: 2019-05-01. Review status: criteria provided, single submitter. Criteria: Ambry Variant Classification Scheme 2023. Collection method: clinical testing. Allele origin: germline.
Comment: The c.74_83del10 pathogenic mutation, located in coding exon 1 of the MBD5 gene, results from a deletion of 10 nucleotides at nucleotide positions 74 to 83, causing a translational frameshift with a predicted alternate stop codon (p.W25Lfs*55). This alteration is expected to result in loss of function by premature protein truncation or nonsense-mediated mRNA decay. As such, this alteration is interpreted as a disease-causing mutation.